The following is an entry in ClinVar:

ClinVar aggregate classification (germline): Uncertain significance. Review status: criteria provided, multiple submitters, no conflicts (2 of 4 stars). 2 submissions from 2 submitters: Uncertain significance (2). Last evaluated 2025-09-04.

Conditions:
Inborn genetic diseases. Identifiers: MedGen C0950123, MeSH D030342.

Allele frequency attached by ClinVar (database versions not stated): ExAC 0.00002; gnomAD exomes 0.00002; TOPMed 0.00004.
gnomAD v4.1: 34 of 1,602,646 alleles (0.0021%); highest among the groups gnomAD compares: East Asian, 0.0067%; no homozygotes.

Submissions (2):

Ambry Genetics
Classification: Uncertain significance for Inborn genetic diseases. Last evaluated: 2025-09-04. Review status: criteria provided, single submitter. Criteria: Ambry Variant Classification Scheme 2023. Collection method: clinical testing. Allele origin: germline.

Labcorp Genetics (formerly Invitae), Labcorp
Classification: Uncertain significance. Last evaluated: 2024-04-27. Review status: criteria provided, single submitter. Criteria: Invitae Variant Classification Sherloc (09022015). Collection method: clinical testing. Allele origin: germline.
Comment: This sequence change replaces valine, which is neutral and non-polar, with isoleucine, which is neutral and non-polar, at codon 46 of the SLC26A1 protein (p.Val46Ile). This variant is present in population databases (rs771196872, gnomAD 0.02%). This variant has not been reported in the literature in individuals affected with SLC26A1-related conditions. ClinVar contains an entry for this variant (Variation ID: 2538425). An algorithm developed to predict the effect of missense changes on protein structure and function (PolyPhen-2) suggests that this variant is likely to be tolerated. In summary, the available evidence is currently insufficient to determine the role of this variant in disease. Therefore, it has been classified as a Variant of Uncertain Significance.

NM_022042.4(SLC26A1):c.136G>A (p.Val46Ile)

Genes: IDUA (alpha-L-iduronidase; plus strand), SLC26A1 (solute carrier family 26 member 1; minus strand). Cytogenetic location: 4p16.3.
Variant type: single nucleotide variant.
Coding change: c.136G>A on transcript NM_022042.4 (MANE Select); coding-DNA position 136, G replaced by A.
Protein change: p.Val46Ile; replaces valine 46 with isoleucine.
Molecular consequence: missense variant. On other transcripts: intron variant (1).
Genome position (GRCh38, 1-based): chr4:991,568, C>T on the plus strand (G>A on the coding strand, the complement: SLC26A1 is on the minus strand). VCF-style: chr4-991568-C-T. GRCh37 (hg19) VCF-style: chr4-985356-C-T.
Other names: c.136G>A, p.Val46Ile (NM_134425.4, NM_213613.4); c.299+3619C>T (NM_000203.5); short protein forms V46I.
Identifiers: ClinVar variation 2538425 (VCV002538425.5), dbSNP rs771196872, ClinGen allele CA2801765.